The following is an entry in ClinVar:

ClinVar aggregate classification (germline): Conflicting classifications of pathogenicity. Review status: criteria provided, conflicting classifications (1 of 4 stars). 8 submissions from 8 submitters: Likely pathogenic (1); Uncertain significance (5); Benign (1); Likely benign (1). Last evaluated 2026-01-12.

Conditions:
INS-related disorder. Also called: INS-related condition.
Hyperproinsulinemia. Identifiers: MedGen C0342283, MONDO:0014535, OMIM 616214.
Diabetes mellitus, permanent neonatal 4. Also called: INS-Related Permanent Neonatal Diabetes Mellitus. Identifiers: MedGen C5394307, MONDO:0030089, OMIM 618858.
Maturity-onset diabetes of the young type 10. Identifiers: Orphanet 552, MedGen C3150617, MONDO:0013240, OMIM 613370.
Type 1 diabetes mellitus 2. Identifiers: MedGen C1852092, MONDO:0007454, OMIM 125852.

Allele frequency attached by ClinVar (database versions not stated): gnomAD 0.00019; TOPMed 0.00021; gnomAD exomes 0.00022; 1000 Genomes Project 30x 0.00047.

Submissions (8):

Labcorp Genetics (formerly Invitae), Labcorp
Classification: Benign. Last evaluated: 2026-01-12. Review status: criteria provided, single submitter. Criteria: Invitae Variant Classification Sherloc (09022015). Collection method: clinical testing. Allele origin: germline.

PreventionGenetics, part of Exact Sciences
Classification: Uncertain significance for INS-related condition. Last evaluated: 2025-12-29. Review status: criteria provided, single submitter. Criteria: ACMG Guidelines, 2015. Collection method: clinical testing. Allele origin: germline.
Comment: The INS c.-153C>G variant is located in the 5' untranslated region. This variant has been reported as a recessive allele for neonatal diabetes due to a significant reduction of transcriptional activity (reported as c.-332C>G at Garin et al 2010. PubMed ID: 20133622; reported as c.-60C>G at Park SS et al 2019. PubMed ID: 30977832). However, this variant is also reported in 0.45% of alleles in individuals of East Asian descent in gnomAD. Although we suspect that this variant may be benign, at this time, the clinical significance of this variant is uncertain due to the absence of conclusive functional and genetic evidence.

GeneDx
Classification: Uncertain significance. Last evaluated: 2025-06-05. Review status: criteria provided, single submitter. Criteria: GeneDx Variant Classification Process June 2021. Collection method: clinical testing. Allele origin: germline. Affected: yes.
Comment: Published functional studies demonstrate a damaging effect on promoter activity (PMID: 20133622); Nucleotide is not conserved across species and the substitution has no predicted effect on splicing; Located in a regulatory region; in the absence of functional studies, the actual effect of this sequence change is unknown; Also known as c.-332C>G; This variant is associated with the following publications: (PMID: 20133622, 30977832)

Blueprint Genetics
Classification: Uncertain significance. Last evaluated: 2024-04-10. Review status: criteria provided, single submitter. Criteria: ACMG Guidelines, 2015. Collection method: clinical testing. Allele origin: germline.

Women's Health and Genetics/Laboratory Corporation of America, LabCorp
Classification: Likely benign. Last evaluated: 2024-02-06. Review status: criteria provided, single submitter. Criteria: LabCorp Variant Classification Summary - May 2015. Collection method: clinical testing. Allele origin: germline.
Comment: Variant summary: INS c.-153C>G is located in the untranscribed region upstream of the INS gene region. Consensus agreement among computation tools predict no significant impact on normal splicing. However, these predictions have yet to be confirmed by functional studies. The variant allele was found at a frequency of 0.0002 in 308020 control chromosomes, predominantly at a frequency of 0.0028 within the East Asian subpopulation in the gnomAD database. The observed variant frequency within East Asian control individuals in the gnomAD database is approximately 3 fold of the estimated maximal expected allele frequency for a pathogenic variant in INS causing Neonatal Diabetes Mellitus phenotype (recessive 0.001), strongly suggesting that the variant is a benign polymorphism found primarily in populations of East Asian origin. c.-153C>G has been reported in the literature in individuals affected with Neonatal Diabetes Mellitus or monogenic diabetes. These report(s) do not provide unequivocal conclusions about association of the variant with Neonatal Diabetes Mellitus. At least one publication reports experimental evidence evaluating an impact on promoter activity. The most pronounced variant effect results in about 35% of normal activity. The following publications have been ascertained in the context of this evaluation (PMID: 20133622, 30977832). ClinVar contains an entry for this variant (Variation ID: 1317682). Based on the evidence outlined above, the variant was classified as likely benign.

MGZ Medical Genetics Center
Classification: Likely pathogenic for Maturity-onset diabetes of the young type 10. Last evaluated: 2022-04-28. Review status: criteria provided, single submitter. Criteria: ACMG Guidelines, 2015. Collection method: clinical testing. Allele origin: germline. Affected: yes. Observed: 1 variant allele.
Comment: ACMG criteria applied: PM3, PS3_SUP, PS4_SUP, PM1_SUP, PM2_SUP

Fulgent Genetics
Classification: Uncertain significance for Type 1 diabetes mellitus 2; Maturity-onset diabetes of the young type 10; Hyperproinsulinemia; Diabetes mellitus, permanent neonatal 4. Last evaluated: 2022-04-10. Review status: criteria provided, single submitter. Criteria: ACMG Guidelines, 2015. Collection method: clinical testing. Allele origin: unknown.

Genetic Services Laboratory, University of Chicago
Classification: Uncertain significance. Last evaluated: 2019-08-27. Review status: criteria provided, single submitter. Criteria: ACMG Guidelines, 2015. Collection method: clinical testing. Allele origin: germline. Affected: no.

Literature cited by the submitters: PubMed 20133622 (cited by Women's Health and Genetics/Laboratory Corporation of America, LabCorp); PubMed 30977832 (cited by Women's Health and Genetics/Laboratory Corporation of America, LabCorp).

NM_000207.3(INS):c.-153C>G

Gene: INS (insulin; minus strand). Cytogenetic location: 11p15.5.
Variant type: single nucleotide variant.
Coding change: c.-153C>G on transcript NM_000207.3 (MANE Select); 153 bases upstream of the start codon, C replaced by G.
Genome position (GRCh38, 1-based): chr11:2,161,303, G>C on the plus strand (C>G on the coding strand, the complement: INS is on the minus strand). VCF-style: chr11-2161303-G-C. GRCh37 (hg19) VCF-style: chr11-2182533-G-C.
Identifiers: ClinVar variation 1317682 (VCV001317682.20), dbSNP rs915076855, ClinGen allele CA216276965.